The following is an entry in ClinVar:

ClinVar aggregate classification (germline): Uncertain significance (1 of 4 stars; one submission).

Submission:

Women's Health and Genetics/Laboratory Corporation of America, LabCorp
Classification: Uncertain significance. Last evaluated: 2023-06-01. Review status: criteria provided, single submitter. Criteria: LabCorp Variant Classification Summary - May 2015. Collection method: clinical testing. Allele origin: germline.
Comment: Variant summary: CHD8 c.5052-18G>A alters a non-conserved nucleotide located close to a canonical splice site and therefore could affect mRNA splicing, leading to a significantly altered protein sequence. 4/4 computational tools predict no significant impact on normal splicing. However, these predictions have yet to be confirmed by functional studies. The variant was absent in 246638 control chromosomes (gnomAD). The available data on variant occurrences in the general population are insufficient to allow any conclusion about variant significance. To our knowledge, no occurrence of c.5052-18G>A in individuals affected with CHD8-Related Disorders and no experimental evidence demonstrating its impact on protein function have been reported. No clinical diagnostic laboratories have submitted clinical-significance assessments for this variant to ClinVar after 2014. Based on the evidence outlined above, the variant was classified as uncertain significance.

NM_001170629.2(CHD8):c.5052-18G>A

Gene: CHD8 (chromodomain helicase DNA binding protein 8; minus strand). Cytogenetic location: 14q11.2.
Variant type: single nucleotide variant.
Coding change: c.5052-18G>A on transcript NM_001170629.2 (MANE Select); 18 bases into the intron before coding-DNA position 5052, G replaced by A.
Molecular consequence: intron variant.
Genome position (GRCh38, 1-based): chr14:21,395,910, C>T on the plus strand (G>A on the coding strand, the complement: CHD8 is on the minus strand). VCF-style: chr14-21395910-C-T. GRCh37 (hg19) VCF-style: chr14-21864069-C-T.
Other names: c.4215-18G>A (NM_020920.4).
Identifiers: ClinVar variation 2573462 (VCV002573462.1), dbSNP rs2501867106, ClinGen allele CA2580616553.
Genomic context (GRCh38, chr14:21,395,910, plus strand): 5'-TGGTTTATATTCAGGATCTTCACAATCTTTATCAAAGTCAACCCTAAAATTATGGAGAGG[C>T]ACAAGAAAATGTTAATAATGTATCTTCTATCACTAAGGGAACCTAGGATGAAGACCTAGC-3'